The following is an entry in ClinVar:

ClinVar aggregate classification (germline): Pathogenic (1 of 4 stars; one submission).

Submission:

Labcorp Genetics (formerly Invitae), Labcorp
Classification: Pathogenic. Last evaluated: 2020-11-25. Review status: criteria provided, single submitter. Criteria: Invitae Variant Classification Sherloc (09022015). Collection method: clinical testing. Allele origin: germline.
Comment: For these reasons, this variant has been classified as Pathogenic. This variant has not been reported in the literature in individuals with ERCC8-related conditions. This variant is not present in population databases (ExAC no frequency). This sequence change creates a premature translational stop signal (p.Met149Asnfs*16) in the ERCC8 gene. It is expected to result in an absent or disrupted protein product. Loss-of-function variants in ERCC8 are known to be pathogenic (PMID: 29572252).

Literature cited by the submitters: PubMed 29572252.

NM_000082.4(ERCC8):c.445dup (p.Met149fs)

Gene: ERCC8 (ERCC excision repair 8, CSA ubiquitin ligase complex subunit; minus strand). Cytogenetic location: 5q12.1.
Variant type: Duplication.
Coding change: c.445dup on transcript NM_000082.4 (MANE Select); coding-DNA position 445, one base duplicated (A; older notation c.445dupA).
Protein change: p.Met149fs; shifts the reading frame from methionine 149.
Molecular consequence: frameshift variant. On other transcripts: intron variant (1).
Genome position (GRCh38, 1-based): chr5:60,904,828, T duplicated on the plus strand (A on the coding strand, the reverse complement: ERCC8 is on the minus strand). VCF-style (leftmost placement, unchanged base first): chr5-60904827-A-AT. GRCh37 (hg19) VCF-style: chr5-60200654-A-AT.
Other names: c.271dup, p.Met91fs (NM_001007233.3); c.445dup, p.Met149fs (NM_001007234.3); c.23-1112dup (NM_001290285.2); short protein forms M149fs, M91fs.
Identifiers: ClinVar variation 1385399 (VCV001385399.6), dbSNP rs2112495246, ClinGen allele CA2573139821.